The following is an entry in ClinVar:

NM_002408.4(MGAT2):c.1234A>G (p.Thr412Ala)

Gene: MGAT2 (alpha-1,6-mannosyl-glycoprotein 2-beta-N-acetylglucosaminyltransferase; plus strand). Cytogenetic location: 14q21.3.
Variant type: single nucleotide variant.
Coding change: c.1234A>G on transcript NM_002408.4 (MANE Select); coding-DNA position 1234, A replaced by G.
Protein change: p.Thr412Ala; replaces threonine 412 with alanine.
Molecular consequence: missense variant.
Genome position (GRCh38, 1-based): chr14:49,622,502, A>G. VCF-style: chr14-49622502-A-G. GRCh37 (hg19) VCF-style: chr14-50089220-A-G.
Other names: short protein forms T412A.
Identifiers: ClinVar variation 2059191 (VCV002059191.4), dbSNP rs962841787, ClinGen allele CA389621871.

ClinVar aggregate classification (germline): Uncertain significance (1 of 4 stars; one submission).

Conditions:
MGAT2-congenital disorder of glycosylation. Also called: MGAT2-CDG; CDG IIa; MENTAL RETARDATION, GROWTH RETARDATION, PROMINENT COLUMELLA, AND OPEN MOUTH; Alkuraya syndrome; Congenital disorder of glycosylation, type IIa. Identifiers: Orphanet 79329, MedGen C2931008, MONDO:0008908, OMIM 212066.

Submission:

Labcorp Genetics (formerly Invitae), Labcorp
Classification: Uncertain significance for MGAT2-congenital disorder of glycosylation. Last evaluated: 2022-07-12. Review status: criteria provided, single submitter. Criteria: Invitae Variant Classification Sherloc (09022015). Collection method: clinical testing. Allele origin: germline.
Comment: This variant has not been reported in the literature in individuals affected with MGAT2-related conditions. Algorithms developed to predict the effect of missense changes on protein structure and function (SIFT, PolyPhen-2, Align-GVGD) all suggest that this variant is likely to be tolerated. In summary, the available evidence is currently insufficient to determine the role of this variant in disease. Therefore, it has been classified as a Variant of Uncertain Significance. This variant is not present in population databases (gnomAD no frequency). This sequence change replaces threonine, which is neutral and polar, with alanine, which is neutral and non-polar, at codon 412 of the MGAT2 protein (p.Thr412Ala).